The following is an entry in ClinVar:

NM_021951.3(DMRT1):c.28C>T (p.Pro10Ser)

Gene: DMRT1 (doublesex and mab-3 related transcription factor 1; plus strand). Cytogenetic location: 9p24.3.
Variant type: single nucleotide variant.
Coding change: c.28C>T on transcript NM_021951.3 (MANE Select); coding-DNA position 28, C replaced by T.
Protein change: p.Pro10Ser; replaces proline 10 with serine.
Molecular consequence: missense variant.
Genome position (GRCh38, 1-based): chr9:841,866, C>T. VCF-style: chr9-841866-C-T. GRCh37 (hg19) VCF-style: chr9-841866-C-T.
Other names: short protein forms P10S.
Identifiers: ClinVar variation 2746267 (VCV002746267.3), dbSNP rs139583942, ClinGen allele CA4961411.

ClinVar aggregate classification (germline): Uncertain significance (1 of 4 stars; one submission).

Allele frequency attached by ClinVar (database versions not stated): gnomAD exomes 0.00005; ExAC 0.00007; ESP Exome Variant Server 0.00008; gnomAD 0.00014; TOPMed 0.00015.
gnomAD v4.1: 90 of 1,612,684 alleles (0.0056%); highest among the groups gnomAD compares: African/African-American, 0.048%; no homozygotes.

Submission:

Labcorp Genetics (formerly Invitae), Labcorp
Classification: Uncertain significance. Last evaluated: 2023-08-23. Review status: criteria provided, single submitter. Criteria: Invitae Variant Classification Sherloc (09022015). Collection method: clinical testing. Allele origin: germline.
Comment: This sequence change replaces proline, which is neutral and non-polar, with serine, which is neutral and polar, at codon 10 of the DMRT1 protein (p.Pro10Ser). This variant is present in population databases (rs139583942, gnomAD 0.06%), and has an allele count higher than expected for a pathogenic variant. This variant has not been reported in the literature in individuals affected with DMRT1-related conditions. Algorithms developed to predict the effect of missense changes on protein structure and function output the following: SIFT: "Not Available"; PolyPhen-2: "Benign"; Align-GVGD: "Not Available". The serine amino acid residue is found in multiple mammalian species, which suggests that this missense change does not adversely affect protein function. In summary, the available evidence is currently insufficient to determine the role of this variant in disease. Therefore, it has been classified as a Variant of Uncertain Significance.